The following is an entry in ClinVar:

ClinVar aggregate classification (germline): Uncertain significance (1 of 4 stars; one submission).

Allele frequency attached by ClinVar (database versions not stated): gnomAD 0.00001; TOPMed 0.00003; gnomAD exomes 0.00005; ExAC 0.00007; ESP Exome Variant Server 0.00008.
gnomAD v4.1: 71 of 1,610,412 alleles (0.0044%); highest among the groups gnomAD compares: Admixed American, 0.0067%; no homozygotes.

Submission:

Women's Health and Genetics/Laboratory Corporation of America, LabCorp
Classification: Uncertain significance. Last evaluated: 2023-08-29. Review status: criteria provided, single submitter. Criteria: LabCorp Variant Classification Summary - May 2015. Collection method: clinical testing. Allele origin: germline.
Comment: Variant summary: NBEAL2 c.3584G>A (p.Arg1195Gln) results in a conservative amino acid change in the encoded protein sequence. Four of five in-silico tools predict a benign effect of the variant on protein function. The variant allele was found at a frequency of 2.9e-05 in 240750 control chromosomes. The available data on variant occurrences in the general population are insufficient to allow any conclusion about variant significance. c.3584G>A has been reported in the literature in individuals affected with Macrothrombocytopenia without evidence for causality (Bottega_2013). This report does not provide unequivocal conclusions about association of the variant with Gray Platelet Syndrome. Co-occurrences with another pathogenic variant have been reported in cis (NBEAL2 c.5720+1G>A, p.M1908*), providing supporting evidence for a benign role. To our knowledge, no experimental evidence demonstrating an impact on protein function has been reported. The following publication have been ascertained in the context of this evaluation (PMID: 23100277). No submitters have cited clinical-significance assessments for this variant to ClinVar after 2014. Based on the evidence outlined above, the variant was classified as uncertain significance.

Literature cited by the submitters: PubMed 23100277.

NM_015175.3(NBEAL2):c.3584G>A (p.Arg1195Gln)

Gene: NBEAL2 (neurobeachin like 2; plus strand). Cytogenetic location: 3p21.31.
Variant type: single nucleotide variant.
Coding change: c.3584G>A on transcript NM_015175.3 (MANE Select); coding-DNA position 3584, G replaced by A.
Protein change: p.Arg1195Gln; replaces arginine 1195 with glutamine.
Molecular consequence: missense variant.
Genome position (GRCh38, 1-based): chr3:46,999,355, G>A. VCF-style: chr3-46999355-G-A. GRCh37 (hg19) VCF-style: chr3-47040845-G-A.
Other names: c.3482G>A, p.Arg1161Gln (NM_001365116.2); short protein forms R1161Q, R1195Q.
Identifiers: ClinVar variation 2581437 (VCV002581437.1), dbSNP rs369806643, ClinGen allele CA2361006.
Genomic context (GRCh38, chr3:46,999,355, plus strand): 5'-CTCCGATGACCCCCACACAGATCCTGCGCAGACTGCAGCAGAATGAGCGGCTACCTGAGC[G>A]GAGCCGCCAGCGCCTCCGGCTGCGGGAGTGTGGTCTCCAGGGTCTGGTTGCCTGCTTGCC-3'
Protein context (NP_055990.1, residues 1185-1205): RLQQNERLPE[Arg1195Gln]SRQRLRLREC